The following is an entry in ClinVar:

ClinVar aggregate classification (germline): Uncertain significance (1 of 4 stars; one submission).

Conditions:
Pfeiffer syndrome (ACS5). Also called: ACS V. Identifiers: Orphanet 710, MedGen C0220658, MONDO:0007043, OMIM 101600.
Hypogonadotropic hypogonadism 2 with or without anosmia (HH2). Also called: FGFR1-Related GnRH Deficiency (Kallmann Syndrome 2); HYPOGONADOTROPIC HYPOGONADISM 2 WITH OR WITHOUT ANOSMIA, SUSCEPTIBILITY TO; HYPOGONADOTROPIC HYPOGONADISM 2 WITHOUT ANOSMIA; HYPOGONADOTROPIC HYPOGONADISM 2 WITHOUT ANOSMIA, SUSCEPTIBILITY TO. Identifiers: Orphanet 478, MedGen C1563720, MONDO:0007844, OMIM 147950. Disease mechanism: loss of function.

Submission:

Labcorp Genetics (formerly Invitae), Labcorp
Classification: Uncertain significance for Pfeiffer syndrome; Hypogonadotropic hypogonadism 2 with or without anosmia. Last evaluated: 2024-05-07. Review status: criteria provided, single submitter. Criteria: Invitae Variant Classification Sherloc (09022015). Collection method: clinical testing. Allele origin: germline.
Comment: This sequence change replaces cysteine, which is neutral and slightly polar, with phenylalanine, which is neutral and non-polar, at codon 6 of the FGFR1 protein (p.Cys6Phe). This variant is not present in population databases (gnomAD no frequency). This variant has not been reported in the literature in individuals affected with FGFR1-related conditions. Advanced modeling of protein sequence and biophysical properties (such as structural, functional, and spatial information, amino acid conservation, physicochemical variation, residue mobility, and thermodynamic stability) performed at Invitae indicates that this missense variant is not expected to disrupt FGFR1 protein function with a negative predictive value of 95%. In summary, the available evidence is currently insufficient to determine the role of this variant in disease. Therefore, it has been classified as a Variant of Uncertain Significance.

NM_023110.3(FGFR1):c.17G>T (p.Cys6Phe)

Gene: FGFR1 (fibroblast growth factor receptor 1; minus strand). Cytogenetic location: 8p11.23.
Variant type: single nucleotide variant.
Coding change: c.17G>T on transcript NM_023110.3 (MANE Select); coding-DNA position 17, G replaced by T.
Protein change: p.Cys6Phe; replaces cysteine 6 with phenylalanine.
Molecular consequence: missense variant. On other transcripts: 5 prime UTR variant (1).
Genome position (GRCh38, 1-based): chr8:38,457,430, C>A on the plus strand (G>T on the coding strand, the complement: FGFR1 is on the minus strand). VCF-style: chr8-38457430-C-A. GRCh37 (hg19) VCF-style: chr8-38314948-C-A.
Other names: c.17G>T, p.Cys6Phe (NM_001174063.2, NM_001174065.2, NM_001174066.2 and 8 more transcripts); c.-76G>T (NM_001174064.2); c.116G>T, p.Cys39Phe (NM_001174067.2); short protein forms C39F, C6F.
Identifiers: ClinVar variation 3754222 (VCV003754222.2).